The following is an entry in ClinVar:

NM_004539.4(NARS1):c.1101G>C (p.Lys367Asn)

Gene: NARS1 (asparaginyl-tRNA synthetase 1; minus strand). Cytogenetic location: 18q21.31.
Variant type: single nucleotide variant.
Coding change: c.1101G>C on transcript NM_004539.4 (MANE Select); coding-DNA position 1101, G replaced by C.
Protein change: p.Lys367Asn; replaces lysine 367 with asparagine.
Molecular consequence: missense variant.
Genome position (GRCh38, 1-based): chr18:57,606,652, C>G on the plus strand (G>C on the coding strand, the complement: NARS1 is on the minus strand). VCF-style: chr18-57606652-C-G. GRCh37 (hg19) VCF-style: chr18-55273884-C-G.
Other names: short protein forms K367N.
Identifiers: ClinVar variation 3364688 (VCV003364688.1).

ClinVar aggregate classification (germline): Uncertain significance (1 of 4 stars; one submission).

Submission:

GeneDx
Classification: Uncertain significance. Last evaluated: 2023-11-29. Review status: criteria provided, single submitter. Criteria: GeneDx Variant Classification Process June 2021. Collection method: clinical testing. Allele origin: germline. Affected: yes.
Comment: Not observed at significant frequency in large population cohorts (gnomAD); In silico analysis supports that this missense variant does not alter protein structure/function; Has not been previously published as pathogenic or benign to our knowledge